The following is an entry in ClinVar:

NM_015909.4(NBAS):c.5858A>G (p.Asp1953Gly)

Gene: NBAS (NBAS subunit of NRZ tethering complex; minus strand). Cytogenetic location: 2p24.3.
Variant type: single nucleotide variant.
Coding change: c.5858A>G on transcript NM_015909.4 (MANE Select); coding-DNA position 5858, A replaced by G.
Protein change: p.Asp1953Gly; replaces aspartic acid 1953 with glycine.
Molecular consequence: missense variant. On other transcripts: non-coding transcript variant (1).
Genome position (GRCh38, 1-based): chr2:15,238,553, T>C on the plus strand (A>G on the coding strand, the complement: NBAS is on the minus strand). VCF-style: chr2-15238553-T-C. GRCh37 (hg19) VCF-style: chr2-15378677-T-C.
Other names: short protein forms D1953G.
Identifiers: ClinVar variation 2006608 (VCV002006608.4), dbSNP rs529024057, ClinGen allele CA42599501.
Genomic context (GRCh38, chr2:15,238,553, plus strand): 5'-ATGAAGCTGTGGCTCAGGGTTTCCAGGTGGGCAAGTGATTTCTCCAGATGATTCAAAGTA[T>C]CTGCATAGGTAACTTTAGAATCCTTAGCTTCTTGAGCTTCGTCTTCTGAGTTTCTTTTCC-3'
Protein context (NP_056993.2, residues 1943-1963): EAKDSKVTYA[Asp1953Gly]TLNHLEKSLA

ClinVar aggregate classification (germline): Uncertain significance (1 of 4 stars; one submission).

Allele frequency attached by ClinVar (database versions not stated): gnomAD exomes below 0.00001; TOPMed below 0.00001.
gnomAD v4.1: 1 of 1,614,194 alleles (0.000062%); highest among the groups gnomAD compares: African/African-American, 0.0013%; no homozygotes.

Submission:

Labcorp Genetics (formerly Invitae), Labcorp
Classification: Uncertain significance. Last evaluated: 2022-06-19. Review status: criteria provided, single submitter. Criteria: Invitae Variant Classification Sherloc (09022015). Collection method: clinical testing. Allele origin: germline.
Comment: In summary, the available evidence is currently insufficient to determine the role of this variant in disease. Therefore, it has been classified as a Variant of Uncertain Significance. Algorithms developed to predict the effect of sequence changes on RNA splicing suggest that this variant may create or strengthen a splice site. Algorithms developed to predict the effect of missense changes on protein structure and function (SIFT, PolyPhen-2, Align-GVGD) all suggest that this variant is likely to be disruptive. This variant has not been reported in the literature in individuals affected with NBAS-related conditions. This variant is not present in population databases (gnomAD no frequency). This sequence change replaces aspartic acid, which is acidic and polar, with glycine, which is neutral and non-polar, at codon 1953 of the NBAS protein (p.Asp1953Gly).